The following is an entry in ClinVar:

ClinVar aggregate classification (germline): Likely pathogenic (1 of 4 stars; one submission).

Conditions:
Autosomal recessive limb-girdle muscular dystrophy type 2J (LGMDR10). Also called: Limb-girdle muscular dystrophy, type 2J; MUSCULAR DYSTROPHY, LIMB-GIRDLE, AUTOSOMAL RECESSIVE 10. Identifiers: Orphanet 140922, MedGen C1837342, MONDO:0012127, OMIM 608807.
Dilated cardiomyopathy 1G (CMD1G). Identifiers: Orphanet 154, MedGen C1858763, MONDO:0011400, OMIM 604145.

Submission:

Labcorp Genetics (formerly Invitae), Labcorp
Classification: Likely pathogenic for Dilated cardiomyopathy 1G; Autosomal recessive limb-girdle muscular dystrophy type 2J. Last evaluated: 2024-02-26. Review status: criteria provided, single submitter. Criteria: Invitae Variant Classification Sherloc (09022015). Collection method: clinical testing. Allele origin: germline.
Comment: This sequence change creates a premature translational stop signal (p.Pro13640Leufs*13) in the TTN gene. While this is not anticipated to result in nonsense mediated decay, it is expected to create a truncated TTN protein. This variant is not present in population databases (gnomAD no frequency). This variant has not been reported in the literature in individuals affected with TTN-related conditions. This variant is located in the I band of TTN (PMID: 25589632). Truncating variants in this region have been reported in individuals affected with autosomal recessive centronuclear myopathy (PMID: 23975875, Invitae internal data). Truncating variants in this region have also been identified in individuals affected with autosomal dominant dilated cardiomyopathy and/or cardio-related conditions (PMID: 27869827, 32964742, Invitae internal data). In summary, the currently available evidence indicates that the variant is pathogenic, but additional data are needed to prove that conclusively. Therefore, this variant has been classified as Likely Pathogenic.

Literature cited by the submitters: PubMed 25589632; PubMed 23975875; PubMed 27869827; PubMed 32964742.

NM_001267550.2(TTN):c.40917del (p.Pro13640fs)

Gene: TTN (titin; minus strand). Cytogenetic location: 2q31.2.
Variant type: Deletion.
Coding change: c.40917del on transcript NM_001267550.2 (MANE Select); coding-DNA position 40917, one base deleted (T; older notation c.40917delT).
Protein change: p.Pro13640fs; shifts the reading frame from proline 13640.
Molecular consequence: frameshift variant.
Genome position (GRCh38, 1-based): chr2:178,637,379, A deleted on the plus strand (T on the coding strand, the reverse complement: TTN is on the minus strand). VCF-style (leftmost placement, unchanged base first): chr2-178637378-GA-G. GRCh37 (hg19) VCF-style: chr2-179502105-GA-G.
Other names: c.35994del, p.Pro11999fs (NM_001256850.1); c.13722del, p.Pro4575fs (NM_003319.4); c.33213del, p.Pro11072fs (NM_133378.4); c.14097del, p.Pro4700fs (NM_133432.3); c.14298del, p.Pro4767fs (NM_133437.4); short protein forms P11072fs, P11999fs, P13640fs, P4575fs, P4700fs, P4767fs.
Identifiers: ClinVar variation 3754959 (VCV003754959.2).